The following is an entry in ClinVar:

ClinVar aggregate classification (germline): Conflicting classifications of pathogenicity. Review status: criteria provided, conflicting classifications (1 of 4 stars). 5 submissions from 5 submitters: Likely pathogenic (2); Uncertain significance (2). 1 of the submissions does not count toward it. Last evaluated 2026-04-14.

Conditions:
Progressive familial intrahepatic cholestasis type 3. Also called: Low Gamma-GT Familial Intrahepatic Cholestasis; MDR3 DEFICIENCY. Identifiers: Orphanet 79305, MedGen C1865643, MONDO:0011214, OMIM 602347.
Cholestasis, intrahepatic, of pregnancy, 3. Identifiers: Orphanet 69665, MedGen C3554241, MONDO:0013995, OMIM 614972.
Low phospholipid associated cholelithiasis (GBD1). Also called: Gallbladder disease 1; Gallstone cholecystitis. Identifiers: Orphanet 69663, MedGen C2609268, MONDO:0010939, OMIM 600803.
Progressive familial intrahepatic cholestasis (PFIC). Also called: Progressive family intrahepatic cholestasis; Progressive intrahepatic cholestasis. Identifiers: Orphanet 172, MedGen C0268312, MONDO:0015762.
ABCB4-related disorder. Also called: ABCB4-related disorders; ABCB4-related condition.
Familial intrahepatic cholestasis. Identifiers: Orphanet 284385, MedGen CN296401, MONDO:0017290.

gnomAD v4.1: 33 of 1,614,032 alleles (0.002%); highest among the groups gnomAD compares: African/African-American, 0.0093%; no homozygotes.

Submissions (5):

Genomenon, Inc
Classification: Uncertain significance for Familial intrahepatic cholestasis. Last evaluated: 2026-04-14. Review status: criteria provided, single submitter. Criteria: Genomenon Sequence Variant Interpretation Standards - Updated. Collection method: curation. Allele origin: germline. Affected: yes.
Comment: ABCB4 p.Gly270Arg (c.808G>A) is a missense variant that changes the amino acid at residue 270 from Glycine to Arginine. This variant has been observed in at least one proband with an ABCB4-related disorder (PMID:28039895). It is absent or not present at a significant frequency in gnomAD. In silico models predict that this variant is possibly or probably damaging. In conclusion, we classify ABCB4 p.Gly270Arg (c.808G>A) as a variant of uncertain significance.

Fulgent Genetics
Classification: Likely pathogenic for Low phospholipid associated cholelithiasis; Progressive familial intrahepatic cholestasis type 3; Cholestasis, intrahepatic, of pregnancy, 3. Last evaluated: 2024-02-29. Review status: criteria provided, single submitter. Criteria: ACMG Guidelines, 2015. Collection method: clinical testing. Allele origin: germline.

GeneDx
Classification: Uncertain significance. Last evaluated: 2022-12-28. Review status: criteria provided, single submitter. Criteria: GeneDx Variant Classification Process June 2021. Collection method: clinical testing. Allele origin: germline. Affected: yes.
Comment: In silico analysis supports that this missense variant has a deleterious effect on protein structure/function; Not observed at significant frequency in large population cohorts (gnomAD); This variant is associated with the following publications: (PMID: 28039895)

Women's Health and Genetics/Laboratory Corporation of America, LabCorp
Classification: Likely pathogenic for Progressive familial intrahepatic cholestasis. Last evaluated: 2022-06-03. Review status: criteria provided, single submitter. Criteria: LabCorp Variant Classification Summary - May 2015. Collection method: clinical testing. Allele origin: germline.
Comment: Variant summary: ABCB4 c.808G>A (p.Gly270Arg) results in a non-conservative amino acid change located in the ABC transporter type 1, transmembrane domain (IPR011527) of the encoded protein sequence. Five of five in-silico tools predict a damaging effect of the variant on protein function. The variant allele was found at a frequency of 8e-06 in 251248 control chromosomes. c.808G>A has been reported in the literature in at-least two homozygous individuals affected with Progressive Familial Intrahepatic Cholestasis Type 3 (example, Shagrani_2017). These data indicate that the variant is likely to be associated with disease. To our knowledge, no experimental evidence demonstrating an impact on protein function has been reported. No clinical diagnostic laboratories have submitted clinical-significance assessments for this variant to ClinVar after 2014. Based on the evidence outlined above, the variant was classified as likely pathogenic.

PreventionGenetics, part of Exact Sciences
Classification: Uncertain significance for ABCB4-related condition. Last evaluated: 2023-12-01. Review status: no assertion criteria provided. Collection method: clinical testing. Allele origin: germline. Not counted in ClinVar's aggregate classification.
Comment: The ABCB4 c.808G>A variant is predicted to result in the amino acid substitution p.Gly270Arg. This variant in the homozygous condition was reported in two individuals with progressive familial intrahepatic cholestasis (Table 1, Shagrani et al. 2017. PubMed ID: 28039895). This variant is reported in 0.0033% of alleles in individuals of South Asian descent in gnomAD. Although we suspect that this variant may be pathogenic, at this time, the clinical significance of this variant is uncertain due to the absence of conclusive functional and genetic evidence.

Literature cited by the submitters: PubMed 28039895 (cited by Genomenon, Inc and Women's Health and Genetics/Laboratory Corporation of America, LabCorp).

NM_000443.4(ABCB4):c.808G>A (p.Gly270Arg)

Gene: ABCB4 (ATP binding cassette subfamily B member 4; minus strand). Cytogenetic location: 7q21.12.
Variant type: single nucleotide variant.
Coding change: c.808G>A on transcript NM_000443.4 (MANE Select); coding-DNA position 808, G replaced by A.
Protein change: p.Gly270Arg; replaces glycine 270 with arginine.
Molecular consequence: missense variant.
Genome position (GRCh38, 1-based): chr7:87,449,993, C>T on the plus strand (G>A on the coding strand, the complement: ABCB4 is on the minus strand). VCF-style: chr7-87449993-C-T. GRCh37 (hg19) VCF-style: chr7-87079309-C-T.
Other names: c.808G>A, p.Gly270Arg (NM_018849.3, NM_018850.3); short protein forms G270R.
Identifiers: ClinVar variation 1698460 (VCV001698460.6), dbSNP rs551234479, ClinGen allele CA368050419.